The following is an entry in ClinVar:

NM_001378454.1(ALMS1):c.1340C>G (p.Pro447Arg)

Gene: ALMS1 (ALMS1 centrosome and basal body associated protein; plus strand). Cytogenetic location: 2p13.1.
Variant type: single nucleotide variant.
Coding change: c.1340C>G on transcript NM_001378454.1 (MANE Select); coding-DNA position 1340, C replaced by G.
Protein change: p.Pro447Arg; replaces proline 447 with arginine.
Molecular consequence: missense variant.
Genome position (GRCh38, 1-based): chr2:73,432,199, C>G. VCF-style: chr2-73432199-C-G. GRCh37 (hg19) VCF-style: chr2-73659327-C-G.
Other names: c.1343C>G, p.Pro448Arg (NM_015120.4); short protein forms P448R, P447R.
Identifiers: ClinVar variation 337010 (VCV000337010.6), dbSNP rs886056299, ClinGen allele CA10613946.
Genomic context (GRCh38, chr2:73,432,199, plus strand): 5'-CTAATCTGGGCATTAATGAGTCTTTTTCATTTTTATTGCCTTCATTTGTTCCACATAAGC[C>G]AACAAGAGAGTCGGAATATCACTCTTCAGATCTCAGAATGTTGAGGATGTCTCCTGACAC-3'
Protein context (NP_001365383.1, residues 437-457): SERVAELQRK[Pro447Arg]TRESEYHSSD

ClinVar aggregate classification (germline): Uncertain significance (0 of 4 stars; one submission).

Conditions:
ALMS1-related disorder. Also called: ALMS1-related condition.

Submission:

PreventionGenetics, part of Exact Sciences
Classification: Uncertain significance for ALMS1-related condition. Last evaluated: 2024-03-13. Review status: no assertion criteria provided. Collection method: clinical testing. Allele origin: germline.
Comment: The ALMS1 c.1343C>G variant is predicted to result in the amino acid substitution p.Thr448Arg. This variant was reported in a patient with dilated cardiomyopathy, although it was classified as likely benign in that paper, because the patient was also heterozygous for a pathogenic variant in the MYH7 gene (patient BK-III-3 in Table 1, Minoche et al. 2018. PubMed ID: 29961767). This variant is reported in 0.015% of alleles in individuals of European (Non-Finnish) descent in gnomAD. At this time, the clinical significance of this variant is uncertain due to the absence of conclusive functional and genetic evidence.